The following is an entry in ClinVar:

NM_001958.5(EEF1A2):c.1285A>G (p.Met429Val)

Gene: EEF1A2 (eukaryotic translation elongation factor 1 alpha 2; minus strand). Cytogenetic location: 20q13.33.
Variant type: single nucleotide variant.
Coding change: c.1285A>G on transcript NM_001958.5 (MANE Select); coding-DNA position 1285, A replaced by G.
Protein change: p.Met429Val; replaces methionine 429 with valine.
Molecular consequence: missense variant.
Genome position (GRCh38, 1-based): chr20:63,488,405, T>C on the plus strand (A>G on the coding strand, the complement: EEF1A2 is on the minus strand). VCF-style: chr20-63488405-T-C. GRCh37 (hg19) VCF-style: chr20-62119758-T-C.
Other names: short protein forms M429V.
Identifiers: ClinVar variation 2999464 (VCV002999464.3), dbSNP rs1211620501, ClinGen allele CA409643796.

ClinVar aggregate classification (germline): Uncertain significance (1 of 4 stars; one submission).

Conditions:
Developmental and epileptic encephalopathy, 33 (DEE33). Also called: Epileptic encephalopathy, early infantile, 33. Identifiers: Orphanet 442835, MedGen C4225337, MONDO:0014625, OMIM 616409.

gnomAD v4.1: 3 of 1,461,678 alleles (0.00021%); highest among the groups gnomAD compares: East Asian, 0.0031%; no homozygotes.

Submission:

Labcorp Genetics (formerly Invitae), Labcorp
Classification: Uncertain significance for Developmental and epileptic encephalopathy, 33. Last evaluated: 2023-07-25. Review status: criteria provided, single submitter. Criteria: Invitae Variant Classification Sherloc (09022015). Collection method: clinical testing. Allele origin: germline.
Comment: This sequence change replaces methionine, which is neutral and non-polar, with valine, which is neutral and non-polar, at codon 429 of the EEF1A2 protein (p.Met429Val). In summary, the available evidence is currently insufficient to determine the role of this variant in disease. Therefore, it has been classified as a Variant of Uncertain Significance. Advanced modeling of protein sequence and biophysical properties (such as structural, functional, and spatial information, amino acid conservation, physicochemical variation, residue mobility, and thermodynamic stability) performed at Invitae indicates that this missense variant is expected to disrupt EEF1A2 protein function. This variant has not been reported in the literature in individuals affected with EEF1A2-related conditions. This variant is not present in population databases (gnomAD no frequency).